The following is an entry in ClinVar:

ClinVar aggregate classification (germline): Uncertain significance (0 of 4 stars; one submission).

Conditions:
ATP8B1-related disorder. Also called: ATP8B1-related condition; ATP8B1-related disorders.

Submission:

PreventionGenetics, part of Exact Sciences
Classification: Uncertain significance for ATP8B1-related condition. Last evaluated: 2023-12-21. Review status: no assertion criteria provided. Collection method: clinical testing. Allele origin: germline.
Comment: The ATP8B1 c.3680T>G variant is predicted to result in the amino acid substitution p.Ile1227Ser. To our knowledge, this variant has not been reported in the literature or in a large population database, indicating this variant is rare. At this time, the clinical significance of this variant is uncertain due to the absence of conclusive functional and genetic evidence.

NM_001374385.1(ATP8B1):c.3680T>G (p.Ile1227Ser)

Genes: ATP8B1 (ATPase phospholipid transporting 8B1; minus strand), ATP8B1-AS1 (ATP8B1 antisense RNA 1; plus strand). Cytogenetic location: 18q21.31.
Variant type: single nucleotide variant.
Coding change: c.3680T>G on transcript NM_001374385.1 (MANE Select); coding-DNA position 3680, T replaced by G.
Protein change: p.Ile1227Ser; replaces isoleucine 1227 with serine.
Molecular consequence: missense variant.
Genome position (GRCh38, 1-based): chr18:57,648,564, A>C on the plus strand (T>G on the coding strand, the complement: ATP8B1 is on the minus strand). VCF-style: chr18-57648564-A-C. GRCh37 (hg19) VCF-style: chr18-55315796-A-C.
Other names: c.3530T>G, p.Ile1177Ser (NM_001374386.1); c.3680T>G, p.Ile1227Ser (NM_005603.6); short protein forms I1177S, I1227S.
Identifiers: ClinVar variation 3030182 (VCV003030182.2), dbSNP rs2511602291, ClinGen allele CA402539495.